The following is an entry in ClinVar:

ClinVar aggregate classification (germline): Uncertain significance (1 of 4 stars; one submission).

Submission:

Labcorp Genetics (formerly Invitae), Labcorp
Classification: Uncertain significance. Last evaluated: 2024-12-30. Review status: criteria provided, single submitter. Criteria: Invitae Variant Classification Sherloc (09022015). Collection method: clinical testing. Allele origin: germline.
Comment: This sequence change creates a premature translational stop signal (p.Ser607Ilefs*48) in the IL12RB2 gene. It is expected to result in an absent or disrupted protein product. However, the current clinical and genetic evidence is not sufficient to establish whether loss-of-function variants in IL12RB2 cause disease. This variant is not present in population databases (gnomAD no frequency). This variant has not been reported in the literature in individuals affected with IL12RB2-related conditions. In summary, the available evidence is currently insufficient to determine the role of this variant in disease. Therefore, it has been classified as a Variant of Uncertain Significance.

NM_001374259.2(IL12RB2):c.1820del (p.Ser607fs)

Gene: IL12RB2 (interleukin 12 receptor subunit beta 2; plus strand). Cytogenetic location: 1p31.3.
Variant type: Deletion.
Coding change: c.1820del on transcript NM_001374259.2 (MANE Select); coding-DNA position 1820, one base deleted (G; older notation c.1820delG).
Protein change: p.Ser607fs; shifts the reading frame from serine 607.
Molecular consequence: frameshift variant. On other transcripts: non-coding transcript variant (2).
Genome position (GRCh38, 1-based): chr1:67,380,088, G deleted. VCF-style (leftmost placement, unchanged base first): chr1-67380087-AG-A. GRCh37 (hg19) VCF-style: chr1-67845770-AG-A.
Other names: c.1820del, p.Ser607fs (NM_001258214.1, NM_001258216.1, NM_001319233.1 and 1 more transcripts); c.1562del, p.Ser521fs (NM_001258215.1); short protein forms S521fs, S607fs.
Identifiers: ClinVar variation 3728278 (VCV003728278.2).